The following is an entry in ClinVar:

ClinVar aggregate classification (germline): Uncertain significance (1 of 4 stars; one submission).

Conditions:
Catecholaminergic polymorphic ventricular tachycardia 1. Also called: RYR2-Related Catecholaminergic Polymorphic Ventricular Tachycardia; VENTRICULAR TACHYCARDIA, CATECHOLAMINERGIC POLYMORPHIC, 1, WITH OR WITHOUT ATRIAL DYSFUNCTION AND/OR DILATED CARDIOMYOPATHY; VENTRICULAR TACHYCARDIA, STRESS-INDUCED POLYMORPHIC 1. Identifiers: Orphanet 3286, MedGen C1631597, MONDO:0011484, OMIM 604772.

Submission:

Labcorp Genetics (formerly Invitae), Labcorp
Classification: Uncertain significance for Catecholaminergic polymorphic ventricular tachycardia 1. Last evaluated: 2022-03-09. Review status: criteria provided, single submitter. Criteria: Invitae Variant Classification Sherloc (09022015). Collection method: clinical testing. Allele origin: germline.
Comment: In summary, the available evidence is currently insufficient to determine the role of this variant in disease. Therefore, it has been classified as a Variant of Uncertain Significance. This sequence change replaces tyrosine, which is neutral and polar, with phenylalanine, which is neutral and non-polar, at codon 1397 of the RYR2 protein (p.Tyr1397Phe). This variant is not present in population databases (gnomAD no frequency). This variant has not been reported in the literature in individuals affected with RYR2-related conditions. ClinVar contains an entry for this variant (Variation ID: 1026303). Advanced modeling of protein sequence and biophysical properties (such as structural, functional, and spatial information, amino acid conservation, physicochemical variation, residue mobility, and thermodynamic stability) performed at Invitae indicates that this missense variant is not expected to disrupt RYR2 protein function.

NM_001035.3(RYR2):c.4190A>T (p.Tyr1397Phe)

Gene: RYR2 (ryanodine receptor 2; plus strand). Cytogenetic location: 1q43.
Variant type: single nucleotide variant.
Coding change: c.4190A>T on transcript NM_001035.3 (MANE Select); coding-DNA position 4190, A replaced by T.
Protein change: p.Tyr1397Phe; replaces tyrosine 1397 with phenylalanine.
Molecular consequence: missense variant.
Genome position (GRCh38, 1-based): chr1:237,591,768, A>T. VCF-style: chr1-237591768-A-T. GRCh37 (hg19) VCF-style: chr1-237755068-A-T.
Other names: short protein forms Y1397F.
Identifiers: ClinVar variation 1026303 (VCV001026303.10), dbSNP rs1318973952, ClinGen allele CA345398431.